The following is an entry in ClinVar:

ClinVar aggregate classification (germline): Conflicting classifications of pathogenicity. Review status: criteria provided, conflicting classifications (1 of 4 stars). 4 submissions from 4 submitters: Uncertain significance (3); Likely benign (1). Last evaluated 2025-11-12.

Conditions:
Dilated cardiomyopathy 1DD (CMD1DD). Identifiers: Orphanet 154, MedGen C2750995, MONDO:0013168, OMIM 613172.
Cardiovascular phenotype. Identifiers: MedGen CN230736.

Allele frequency attached by ClinVar (database versions not stated): gnomAD 0.00003; TOPMed 0.00003; gnomAD exomes 0.00007.
gnomAD v4.1: 103 of 1,551,560 alleles (0.0066%); highest among the groups gnomAD compares: Non-Finnish European, 0.0084%; no homozygotes.

Submissions (4):

Labcorp Genetics (formerly Invitae), Labcorp
Classification: Likely benign for Dilated cardiomyopathy 1DD. Last evaluated: 2025-11-12. Review status: criteria provided, single submitter. Criteria: Invitae Variant Classification Sherloc (09022015). Collection method: clinical testing. Allele origin: germline.

GeneDx
Classification: Uncertain significance. Last evaluated: 2024-08-06. Review status: criteria provided, single submitter. Criteria: GeneDx Variant Classification Process June 2021. Collection method: clinical testing. Allele origin: germline. Affected: yes.
Comment: Identified in a patient with noncompaction cardiomyopathy in published literature (PMID: 30847666); Not observed at significant frequency in large population cohorts (gnomAD); In silico analysis supports that this missense variant has a deleterious effect on protein structure/function; This variant is associated with the following publications: (PMID: 30847666)

Clinical Genomics Laboratory, Stanford Medicine
Classification: Uncertain significance for Dilated cardiomyopathy 1DD. Last evaluated: 2023-10-03. Review status: criteria provided, single submitter. Criteria: ACMG Guidelines, 2015. Collection method: clinical testing. Allele origin: germline. Observed: 1 variant allele, 1 heterozygote.
Comment: The p.Pro310Leu variant in the RBM20 gene has been previously reported in 1 individual with cardiomyopathy (PMID: 30847666). This variant has also been identified in 1/15692 European (non-Finnish) chromosomes (1/154374 chromosomes overall) by the Genome Aggregation Database. This variant is present in ClinVar (Accession: VCV002061273.7). Computational tools predict that this variant does not impact protein function; however, the accuracy of in silico algorithms is limited. These data were assessed using the ACMG/AMP variant interpretation guidelines. In summary, the significance of the p.Pro310Leu variant is uncertain. Additional information is needed to resolve the significance of this variant. [ACMG evidence codes used: PM2; BP4]

Ambry Genetics
Classification: Uncertain significance for Cardiovascular phenotype. Last evaluated: 2023-03-29. Review status: criteria provided, single submitter. Criteria: Ambry Variant Classification Scheme 2023. Collection method: clinical testing. Allele origin: germline.
Comment: The p.P310L variant (also known as c.929C>T), located in coding exon 2 of the RBM20 gene, results from a C to T substitution at nucleotide position 929. The proline at codon 310 is replaced by leucine, an amino acid with similar properties. This variant was detected in a cardiomyopathy genetic testing cohort; however, clinical details were limited, and additional cardiac variants were detected in some cases (van Lint FHM et al. Neth Heart J, 2019 Jun;27:304-309). This amino acid position is not well conserved in available vertebrate species. In addition, this alteration is predicted to be tolerated by in silico analysis. Since supporting evidence is limited at this time, the clinical significance of this alteration remains unclear.

Literature cited by the submitters: PubMed 30847666 (cited by Clinical Genomics Laboratory, Stanford Medicine and Ambry Genetics).

NM_001134363.3(RBM20):c.929C>T (p.Pro310Leu)

Gene: RBM20 (RNA binding motif protein 20; plus strand). Cytogenetic location: 10q25.2.
Variant type: single nucleotide variant.
Coding change: c.929C>T on transcript NM_001134363.3 (MANE Select); coding-DNA position 929, C replaced by T.
Protein change: p.Pro310Leu; replaces proline 310 with leucine.
Molecular consequence: missense variant.
Genome position (GRCh38, 1-based): chr10:110,781,538, C>T. VCF-style: chr10-110781538-C-T. GRCh37 (hg19) VCF-style: chr10-112541296-C-T.
Other names: short protein forms P310L.
Identifiers: ClinVar variation 2061273 (VCV002061273.8), dbSNP rs953453944, ClinGen allele CA213234936.